The following is an entry in ClinVar:

ClinVar aggregate classification (germline): VUS-low (0 of 4 stars; one submission).

Conditions:
Breast neoplasm. Also called: Neoplasm of breast; Breast tumor; Neoplasm of the breast; Breast Neoplasms. Identifiers: MedGen C1458155, MeSH D001943, MONDO:0021100, HP:0100013. Disease mechanism: gain of function.

gnomAD v4.1: 150,955 of 1,613,134 alleles (9.4%); highest among the groups gnomAD compares: Admixed American, 15%; 7,578 homozygotes.

Submission:

Hdge Lab, Department of Biotechnology, Mizoram University
Classification: VUS-low for Breast neoplasm. Last evaluated: 2026-08-15. Review status: no assertion criteria provided. Collection method: case-control. Allele origin: germline. Affected: yes. Observed: 24 variant alleles.
Comment: The variant was classified according to the ACMG/AMP guidelines (PMID:25741868). The variant is classified as a VUS-Low based on conflicting evidence. BA1 is supported by the high population allele frequency of 9.36% (AC = 150,955; AN = 1,613,134). BS2 is supported by the observation of the variant in 7,578 homozygous individuals in population databases, providing substantial evidence against a highly penetrant breast cancer susceptibility effect. BP4 is supported by concordant computational predictions indicating a benign effect of the nonsynonymous variant. Conversely, PS4_supporting is supported by the observation of the variant in 24 of 49 breast cancer cases and 0 of 27 controls, demonstrating a significant association with breast cancer (OR = 52.8431; 95% CI = 3.0526-914.7507; adjusted p = 0.000108602). However, the high population frequency, large number of homozygous individuals, and consistent computational evidence for a benign effect are strongly discordant with a highly penetrant pathogenic breast cancer susceptibility allele. Therefore, the available evidence remains conflicting and insufficient to establish a definitive pathogenic or benign classification.

NM_002417.5(MKI67):c.3740C>T (p.Thr1247Ile)

Gene: MKI67 (marker of proliferation Ki-67; minus strand). Cytogenetic location: 10q26.2.
Variant type: single nucleotide variant.
Coding change: c.3740C>T on transcript NM_002417.5 (MANE Select); coding-DNA position 3740, C replaced by T.
Protein change: p.Thr1247Ile; replaces threonine 1247 with isoleucine.
Molecular consequence: missense variant.
Genome position (GRCh38, 1-based): chr10:128,108,100, G>A on the plus strand (C>T on the coding strand, the complement: MKI67 is on the minus strand). VCF-style: chr10-128108100-G-A. GRCh37 (hg19) VCF-style: chr10-129906364-G-A.
Other names: c.2660C>T, p.Thr887Ile (NM_001145966.2); short protein forms T1247I, T887I.
Identifiers: ClinVar variation 4891530 (VCV004891530.1), dbSNP rs4750685.